The following is an entry in ClinVar:

ClinVar aggregate classification (germline): Uncertain significance. Review status: criteria provided, multiple submitters, no conflicts (2 of 4 stars). 6 submissions from 6 submitters: Uncertain significance (6). Last evaluated 2026-01-18.

Conditions:
Sessile serrated polyposis cancer syndrome (SSPCS). Identifiers: Orphanet 157798, MedGen C4310714, MONDO:0014919, OMIM 617108.

Allele frequency attached by ClinVar (database versions not stated): ExAC 0.00008; gnomAD exomes 0.00010; gnomAD 0.00013; TOPMed 0.00014; 1000 Genomes Project 0.00020; 1000 Genomes Project 30x 0.00031.
gnomAD v4.1: 304 of 1,610,892 alleles (0.019%); highest among the groups gnomAD compares: Middle Eastern, 0.033%; no homozygotes.

Submissions (6):

Labcorp Genetics (formerly Invitae), Labcorp
Classification: Uncertain significance. Last evaluated: 2026-01-18. Review status: criteria provided, single submitter. Criteria: Invitae Variant Classification Sherloc (09022015). Collection method: clinical testing. Allele origin: germline.
Comment: This sequence change replaces arginine, which is basic and polar, with cysteine, which is neutral and slightly polar, at codon 219 of the RNF43 protein (p.Arg219Cys). This variant is present in population databases (rs373068965, gnomAD 0.02%). This missense change has been observed in individual(s) with Sessile serrated polyposis cancer syndrome (PMID: 39120161). ClinVar contains an entry for this variant (Variation ID: 963387). An algorithm developed to predict the effect of missense changes on protein structure and function (PolyPhen-2) suggests that this variant is likely to be disruptive. In summary, the available evidence is currently insufficient to determine the role of this variant in disease. Therefore, it has been classified as a Variant of Uncertain Significance.

Center for Genomic Medicine, Rigshospitalet, Copenhagen University Hospital
Classification: Uncertain significance. Last evaluated: 2025-03-04. Review status: criteria provided, single submitter. Criteria: ACMG Guidelines, 2015. Collection method: clinical testing. Allele origin: germline.

Ambry Genetics
Classification: Uncertain significance. Last evaluated: 2024-12-13. Review status: criteria provided, single submitter. Criteria: Ambry Variant Classification Scheme 2023. Collection method: clinical testing. Allele origin: germline.
Comment: The p.R219C variant (also known as c.655C>T), located in coding exon 5 of the RNF43 gene, results from a C to T substitution at nucleotide position 655. The arginine at codon 219 is replaced by cysteine, an amino acid with highly dissimilar properties. This amino acid position is highly conserved in available vertebrate species. In addition, the in silico prediction for this alteration is inconclusive. The evidence for this gene-disease relationship is limited; therefore, the clinical significance of this alteration is unclear.

Baylor Genetics
Classification: Uncertain significance for Sessile serrated polyposis cancer syndrome. Last evaluated: 2024-02-24. Review status: criteria provided, single submitter. Criteria: ACMG Guidelines, 2015. Collection method: clinical testing. Allele origin: unknown.

GeneDx
Classification: Uncertain significance. Last evaluated: 2023-11-07. Review status: criteria provided, single submitter. Criteria: GeneDx Variant Classification Process June 2021. Collection method: clinical testing. Allele origin: germline. Affected: yes.
Comment: In silico analysis supports that this missense variant has a deleterious effect on protein structure/function; Has not been previously published as pathogenic or benign to our knowledge; Variants in candidate genes are classified as variants of uncertain significance in accordance with ACMG guidelines (PMID: 25741868)

Department of Pathology and Laboratory Medicine, Sinai Health System
Classification: Uncertain significance for Sessile serrated polyposis cancer syndrome. Last evaluated: 2022-04-08. Review status: criteria provided, single submitter. Criteria: ACMG Guidelines, 2015. Collection method: clinical testing. Allele origin: germline. Affected: yes.

Literature cited by the submitters: PubMed 39120161 (cited by Labcorp Genetics (formerly Invitae), Labcorp).

NM_017763.6(RNF43):c.655C>T (p.Arg219Cys)

Gene: RNF43 (ring finger protein 43; minus strand). Cytogenetic location: 17q22.
Variant type: single nucleotide variant.
Coding change: c.655C>T on transcript NM_017763.6 (MANE Select); coding-DNA position 655, C replaced by T.
Protein change: p.Arg219Cys; replaces arginine 219 with cysteine.
Molecular consequence: missense variant.
Genome position (GRCh38, 1-based): chr17:58,362,576, G>A on the plus strand (C>T on the coding strand, the complement: RNF43 is on the minus strand). VCF-style: chr17-58362576-G-A. GRCh37 (hg19) VCF-style: chr17-56439937-G-A.
Other names: c.655C>T (NM_017763.4); c.655C>T, p.Arg219Cys (NM_001305544.3); c.274C>T, p.Arg92Cys (NM_001305545.2); short protein forms R92C, R219C.
Identifiers: ClinVar variation 963387 (VCV000963387.18), dbSNP rs373068965, ClinGen allele CA8673357.